The following is an entry in ClinVar:

ClinVar aggregate classification (germline): Uncertain significance (1 of 4 stars; one submission).

Allele frequency attached by ClinVar (database versions not stated): TOPMed 0.00001.

Submission:

Labcorp Genetics (formerly Invitae), Labcorp
Classification: Uncertain significance. Last evaluated: 2022-10-21. Review status: criteria provided, single submitter. Criteria: Invitae Variant Classification Sherloc (09022015). Collection method: clinical testing. Allele origin: germline.
Comment: This variant has not been reported in the literature in individuals affected with THBD-related conditions. This variant is not present in population databases (gnomAD no frequency). This sequence change replaces alanine, which is neutral and non-polar, with glutamic acid, which is acidic and polar, at codon 534 of the THBD protein (p.Ala534Glu). Advanced modeling of protein sequence and biophysical properties (such as structural, functional, and spatial information, amino acid conservation, physicochemical variation, residue mobility, and thermodynamic stability) performed at Invitae indicates that this missense variant is expected to disrupt THBD protein function. In summary, the available evidence is currently insufficient to determine the role of this variant in disease. Therefore, it has been classified as a Variant of Uncertain Significance.

NM_000361.3(THBD):c.1601C>A (p.Ala534Glu)

Gene: THBD (thrombomodulin; minus strand). Cytogenetic location: 20p11.21.
Variant type: single nucleotide variant.
Coding change: c.1601C>A on transcript NM_000361.3 (MANE Select); coding-DNA position 1601, C replaced by A.
Protein change: p.Ala534Glu; replaces alanine 534 with glutamic acid.
Molecular consequence: missense variant.
Genome position (GRCh38, 1-based): chr20:23,047,904, G>T on the plus strand (C>A on the coding strand, the complement: THBD is on the minus strand). VCF-style: chr20-23047904-G-T. GRCh37 (hg19) VCF-style: chr20-23028541-G-T.
Other names: short protein forms A534E.
Identifiers: ClinVar variation 1720769 (VCV001720769.5), dbSNP rs540720855, ClinGen allele CA313550349.